The following is an entry in ClinVar:

ClinVar aggregate classification (germline): Uncertain significance. Review status: criteria provided, multiple submitters, no conflicts (2 of 4 stars). 2 submissions from 2 submitters: Uncertain significance (2). Last evaluated 2025-11-03.

Conditions:
Inborn genetic diseases. Identifiers: MedGen C0950123, MeSH D030342.

gnomAD v4.1: 14 of 1,612,936 alleles (0.00087%); highest among the groups gnomAD compares: Admixed American, 0.0017%; no homozygotes.

Submissions (2):

Labcorp Genetics (formerly Invitae), Labcorp
Classification: Uncertain significance. Last evaluated: 2025-11-03. Review status: criteria provided, single submitter. Criteria: Invitae Variant Classification Sherloc (09022015). Collection method: clinical testing. Allele origin: germline.
Comment: This sequence change replaces leucine, which is neutral and non-polar, with valine, which is neutral and non-polar, at codon 688 of the KDM1A protein (p.Leu688Val). The frequency data for this variant in the population databases is considered unreliable, as metrics indicate poor data quality at this position in the gnomAD database. This variant has not been reported in the literature in individuals affected with KDM1A-related conditions. ClinVar contains an entry for this variant (Variation ID: 2898116). Invitae Evidence Modeling of protein sequence and biophysical properties (such as structural, functional, and spatial information, amino acid conservation, physicochemical variation, residue mobility, and thermodynamic stability) indicates that this missense variant is expected to disrupt KDM1A protein function with a positive predictive value of 80%. In summary, the available evidence is currently insufficient to determine the role of this variant in disease. Therefore, it has been classified as a Variant of Uncertain Significance.

Ambry Genetics
Classification: Uncertain significance for Inborn genetic diseases. Last evaluated: 2024-12-15. Review status: criteria provided, single submitter. Criteria: Ambry Variant Classification Scheme 2023. Collection method: clinical testing. Allele origin: germline.
Comment: The p.L688V variant (also known as c.2062T>G), located in coding exon 18 of the KDM1A gene, results from a T to G substitution at nucleotide position 2062. The leucine at codon 688 is replaced by valine, an amino acid with highly similar properties. This amino acid position is conserved. In addition, this alteration is predicted to be deleterious by in silico analysis. Based on the available evidence, the clinical significance of this variant remains unclear.

NM_001009999.3(KDM1A):c.2062T>G (p.Leu688Val)

Gene: KDM1A (lysine demethylase 1A; plus strand). Cytogenetic location: 1p36.12.
Variant type: single nucleotide variant.
Coding change: c.2062T>G on transcript NM_001009999.3 (MANE Select); coding-DNA position 2062, T replaced by G.
Protein change: p.Leu688Val; replaces leucine 688 with valine.
Molecular consequence: missense variant.
Genome position (GRCh38, 1-based): chr1:23,079,559, T>G. VCF-style: chr1-23079559-T-G. GRCh37 (hg19) VCF-style: chr1-23406052-T-G.
Other names: c.2062T>G (NM_001009999.2); c.2008T>G, p.Leu670Val (NM_001363654.2); c.2068T>G, p.Leu690Val (NM_001410762.1); c.1990T>G, p.Leu664Val (NM_001410763.1, NM_015013.4); short protein forms L688V, L664V, L690V, L670V.
Identifiers: ClinVar variation 2898116 (VCV002898116.4), dbSNP rs996944521, ClinGen allele CA19215634.